The following is an entry in ClinVar:

ClinVar aggregate classification (germline): Uncertain significance (1 of 4 stars; one submission).

Allele frequency attached by ClinVar (database versions not stated): gnomAD exomes below 0.00001; TOPMed 0.00001; gnomAD 0.00003.
gnomAD v4.1: 9 of 1,611,950 alleles (0.00056%); highest among the groups gnomAD compares: South Asian, 0.0033%; no homozygotes.

Submission:

Labcorp Genetics (formerly Invitae), Labcorp
Classification: Uncertain significance. Last evaluated: 2023-12-30. Review status: criteria provided, single submitter. Criteria: Invitae Variant Classification Sherloc (09022015). Collection method: clinical testing. Allele origin: germline.
Comment: This sequence change replaces arginine, which is basic and polar, with glutamine, which is neutral and polar, at codon 325 of the DCHS1 protein (p.Arg325Gln). This variant is present in population databases (no rsID available, gnomAD 0.003%). This variant has not been reported in the literature in individuals affected with DCHS1-related conditions. Advanced modeling of protein sequence and biophysical properties (such as structural, functional, and spatial information, amino acid conservation, physicochemical variation, residue mobility, and thermodynamic stability) performed at Invitae indicates that this missense variant is not expected to disrupt DCHS1 protein function with a negative predictive value of 95%. In summary, the available evidence is currently insufficient to determine the role of this variant in disease. Therefore, it has been classified as a Variant of Uncertain Significance.

NM_003737.4(DCHS1):c.974G>A (p.Arg325Gln)

Gene: DCHS1 (dachsous cadherin-related 1; minus strand). Cytogenetic location: 11p15.4.
Variant type: single nucleotide variant.
Coding change: c.974G>A on transcript NM_003737.4 (MANE Select); coding-DNA position 974, G replaced by A.
Protein change: p.Arg325Gln; replaces arginine 325 with glutamine.
Molecular consequence: missense variant.
Genome position (GRCh38, 1-based): chr11:6,640,640, C>T on the plus strand (G>A on the coding strand, the complement: DCHS1 is on the minus strand). VCF-style: chr11-6640640-C-T. GRCh37 (hg19) VCF-style: chr11-6661871-C-T.
Other names: short protein forms R325Q.
Identifiers: ClinVar variation 2894999 (VCV002894999.3), dbSNP rs1013076803, ClinGen allele CA217303100.